The following is an entry in ClinVar:

NM_182931.3(KMT2E):c.745T>G (p.Ser249Ala)

Gene: KMT2E (lysine methyltransferase 2E (inactive); plus strand). Cytogenetic location: 7q22.3.
Variant type: single nucleotide variant.
Coding change: c.745T>G on transcript NM_182931.3 (MANE Select); coding-DNA position 745, T replaced by G.
Protein change: p.Ser249Ala; replaces serine 249 with alanine.
Molecular consequence: missense variant.
Genome position (GRCh38, 1-based): chr7:105,076,058, T>G. VCF-style: chr7-105076058-T-G. GRCh37 (hg19) VCF-style: chr7-104716505-T-G.
Other names: c.745T>G, p.Ser249Ala (NM_001410908.1, NM_018682.4); short protein forms S249A.
Identifiers: ClinVar variation 5018353 (VCV005018353.1).

ClinVar aggregate classification (germline): Uncertain significance (1 of 4 stars; one submission).

Submission:

GeneDx
Classification: Uncertain significance. Last evaluated: 2026-04-09. Review status: criteria provided, single submitter. Criteria: GeneDx Variant Classification Process June 2021. Collection method: clinical testing. Allele origin: germline.
Comment: Not observed at significant frequency in large population cohorts (gnomAD); In silico analysis suggests that this missense variant does not alter protein structure/function; Has not been previously published as pathogenic or benign to our knowledge